The following is an entry in ClinVar:

ClinVar aggregate classification (germline): Uncertain significance (1 of 4 stars; one submission).

Conditions:
Developmental and epileptic encephalopathy, 54. Also called: Epileptic encephalopathy, early infantile, 54; HNRNPU-Related Neurodevelopmental Disorder. Identifiers: MedGen C4479319, MONDO:0033363, OMIM 617391.

Submission:

Labcorp Genetics (formerly Invitae), Labcorp
Classification: Uncertain significance for Developmental and epileptic encephalopathy, 54. Last evaluated: 2023-02-20. Review status: criteria provided, single submitter. Criteria: Invitae Variant Classification Sherloc (09022015). Collection method: clinical testing. Allele origin: germline.
Comment: Algorithms developed to predict the effect of sequence changes on RNA splicing suggest that this variant may disrupt the consensus splice site. In summary, the available evidence is currently insufficient to determine the role of this variant in disease. Therefore, it has been classified as a Variant of Uncertain Significance. This variant has not been reported in the literature in individuals affected with HNRNPU-related conditions. This variant is not present in population databases (gnomAD no frequency). This sequence change falls in intron 5 of the HNRNPU gene. It does not directly change the encoded amino acid sequence of the HNRNPU protein.

NM_031844.3(HNRNPU):c.1118-11T>G

Gene: HNRNPU (heterogeneous nuclear ribonucleoprotein U; minus strand). Cytogenetic location: 1q44.
Variant type: single nucleotide variant.
Coding change: c.1118-11T>G on transcript NM_031844.3 (MANE Select); 11 bases into the intron before coding-DNA position 1118, T replaced by G.
Molecular consequence: intron variant.
Genome position (GRCh38, 1-based): chr1:244,858,852, A>C on the plus strand (T>G on the coding strand, the complement: HNRNPU is on the minus strand). VCF-style: chr1-244858852-A-C. GRCh37 (hg19) VCF-style: chr1-245022154-A-C.
Other names: c.1061-11T>G (NM_004501.3).
Identifiers: ClinVar variation 2839182 (VCV002839182.3), dbSNP rs2527880703, ClinGen allele CA2739274101.